The following is an entry in ClinVar:

NM_012128.4(CLCA4):c.2475C>T (p.Ser825=)

Genes: CLCA4 (chloride channel accessory 4; plus strand), CLCA4-AS1 (CLCA4 antisense RNA 1; minus strand). Cytogenetic location: 1p22.3.
Variant type: single nucleotide variant.
Coding change: c.2475C>T on transcript NM_012128.4 (MANE Select); coding-DNA position 2475, C replaced by T.
Protein change: p.Ser825=; no amino-acid change (serine 825 retained).
Molecular consequence: synonymous variant. On other transcripts: non-coding transcript variant (1).
Genome position (GRCh38, 1-based): chr1:86,580,060, C>T. VCF-style: chr1-86580060-C-T. GRCh37 (hg19) VCF-style: chr1-87045743-C-T.
Identifiers: ClinVar variation 3341649 (VCV003341649.16).

ClinVar aggregate classification (germline): Likely benign (1 of 4 stars; one submission).

gnomAD v4.1: 170 of 1,612,800 alleles (0.011%); highest among the groups gnomAD compares: Non-Finnish European, 0.014%; no homozygotes.

Submission:

CeGaT Center for Human Genetics Tuebingen
Classification: Likely benign. Last evaluated: 2024-08-01. Review status: criteria provided, single submitter. Criteria: CeGaT Center For Human Genetics Tuebingen Variant Classification Criteria Version 2. Collection method: clinical testing. Allele origin: germline. Affected: yes. Observed: 1 variant allele.
Comment: CLCA4: BP4, BP7